The following is an entry in ClinVar:

ClinVar aggregate classification (germline): Uncertain significance (1 of 4 stars; one submission).

Allele frequency attached by ClinVar (database versions not stated): gnomAD 0.00001; TOPMed 0.00001.
gnomAD v4.1: 4 of 1,613,870 alleles (0.00025%); highest among the groups gnomAD compares: Non-Finnish European, 0.00034%; no homozygotes.

Submission:

GeneDx
Classification: Uncertain significance. Last evaluated: 2022-07-21. Review status: criteria provided, single submitter. Criteria: GeneDx Variant Classification Process June 2021. Collection method: clinical testing. Allele origin: germline. Affected: yes.
Comment: Not observed at significant frequency in large population cohorts (gnomAD); In silico analysis supports that this missense variant has a deleterious effect on protein structure/function; Has not been previously published as pathogenic or benign to our knowledge

NM_006073.4(TRDN):c.143C>A (p.Ala48Glu)

Gene: TRDN (triadin; minus strand). Cytogenetic location: 6q22.31.
Variant type: single nucleotide variant.
Coding change: c.143C>A on transcript NM_006073.4 (MANE Select); coding-DNA position 143, C replaced by A.
Protein change: p.Ala48Glu; replaces alanine 48 with glutamic acid.
Molecular consequence: missense variant.
Genome position (GRCh38, 1-based): chr6:123,571,012, G>T on the plus strand (C>A on the coding strand, the complement: TRDN is on the minus strand). VCF-style: chr6-123571012-G-T. GRCh37 (hg19) VCF-style: chr6-123892157-G-T.
Other names: c.143C>A, p.Ala48Glu (NM_001251987.2, NM_001256020.2, NM_001256021.2 and 2 more transcripts); short protein forms A48E.
Identifiers: ClinVar variation 2136035 (VCV002136035.1), dbSNP rs1278830566, ClinGen allele CA365569202.
Genomic context (GRCh38, chr6:123,571,012, plus strand): 5'-AACATAACGATGGCAACAGCTGACCACGTGATTATCAGGGCAATGACCAGAAGCCAGGCT[G>T]CAGGGGAGCTGAACGTCGTCACTATGTCTTCTGTGACTGTCCTCTTCAGCACTTTTCCGG-3'
Protein context (NP_006064.2, residues 38-58): EDIVTTFSSP[Ala48Glu]AWLLVIALII